The following is an entry in ClinVar:

NM_001085487.3(MYSM1):c.690C>T (p.Asp230=)

Gene: MYSM1 (Myb like, SWIRM and MPN domains 1; minus strand). Cytogenetic location: 1p32.1.
Variant type: single nucleotide variant.
Coding change: c.690C>T on transcript NM_001085487.3 (MANE Select); coding-DNA position 690, C replaced by T.
Protein change: p.Asp230=; no amino-acid change (aspartic acid 230 retained).
Molecular consequence: synonymous variant.
Genome position (GRCh38, 1-based): chr1:58,682,354, G>A on the plus strand (C>T on the coding strand, the complement: MYSM1 is on the minus strand). VCF-style: chr1-58682354-G-A. GRCh37 (hg19) VCF-style: chr1-59148026-G-A.
Identifiers: ClinVar variation 2638846 (VCV002638846.27), dbSNP rs200772834, ClinGen allele CA877966.

ClinVar aggregate classification (germline): Likely benign. Review status: criteria provided, multiple submitters, no conflicts (2 of 4 stars). 2 submissions from 2 submitters: Likely benign (2). Last evaluated 2025-06-02.

Allele frequency attached by ClinVar (database versions not stated): gnomAD exomes 0.00002; gnomAD 0.00004; ExAC 0.00009; 1000 Genomes Project 30x 0.00016; 1000 Genomes Project 0.00020.
gnomAD v4.1: 35 of 1,614,044 alleles (0.0022%); highest among the groups gnomAD compares: South Asian, 0.0077%; no homozygotes.

Submissions (2):

Labcorp Genetics (formerly Invitae), Labcorp
Classification: Likely benign. Last evaluated: 2025-06-02. Review status: criteria provided, single submitter. Criteria: Invitae Variant Classification Sherloc (09022015). Collection method: clinical testing. Allele origin: germline.

CeGaT Center for Human Genetics Tuebingen
Classification: Likely benign. Last evaluated: 2022-11-01. Review status: criteria provided, single submitter. Criteria: CeGaT Center For Human Genetics Tuebingen Variant Classification Criteria Version 2. Collection method: clinical testing. Allele origin: germline. Affected: yes. Observed: 1 variant allele.
Comment: MYSM1: BP4, BP7